The following is an entry in ClinVar:

NM_001232.4(CASQ2):c.98G>T (p.Arg33Leu)

Gene: CASQ2 (calsequestrin 2; minus strand). Cytogenetic location: 1p13.1.
Variant type: single nucleotide variant.
Coding change: c.98G>T on transcript NM_001232.4 (MANE Select); coding-DNA position 98, G replaced by T.
Protein change: p.Arg33Leu; replaces arginine 33 with leucine.
Molecular consequence: missense variant.
Genome position (GRCh38, 1-based): chr1:115,768,444, C>A on the plus strand (G>T on the coding strand, the complement: CASQ2 is on the minus strand). VCF-style: chr1-115768444-C-A. GRCh37 (hg19) VCF-style: chr1-116311065-C-A.
Other names: short protein forms R33L.
Identifiers: ClinVar variation 934048 (VCV000934048.11), dbSNP rs749547712, ClinGen allele CA341767265.

ClinVar aggregate classification (germline): Uncertain significance (1 of 4 stars; one submission).

Conditions:
Catecholaminergic polymorphic ventricular tachycardia 1. Also called: VENTRICULAR TACHYCARDIA, CATECHOLAMINERGIC POLYMORPHIC, 1, WITH OR WITHOUT ATRIAL DYSFUNCTION AND/OR DILATED CARDIOMYOPATHY; VENTRICULAR TACHYCARDIA, STRESS-INDUCED POLYMORPHIC 1; RYR2-Related Catecholaminergic Polymorphic Ventricular Tachycardia. Identifiers: Orphanet 3286, MedGen C1631597, MONDO:0011484, OMIM 604772.

Submission:

Labcorp Genetics (formerly Invitae), Labcorp
Classification: Uncertain significance for Catecholaminergic polymorphic ventricular tachycardia 1. Last evaluated: 2019-09-24. Review status: criteria provided, single submitter. Criteria: Invitae Variant Classification Sherloc (09022015). Collection method: clinical testing. Allele origin: germline.
Comment: This sequence change replaces arginine with leucine at codon 33 of the CASQ2 protein (p.Arg33Leu). The arginine residue is highly conserved and there is a moderate physicochemical difference between arginine and leucine. This variant is not present in population databases (ExAC no frequency). This variant has not been reported in the literature in individuals with CASQ2-related conditions. Algorithms developed to predict the effect of missense changes on protein structure and function are either unavailable or do not agree on the potential impact of this missense change (SIFT: "Deleterious"; PolyPhen-2: "Probably Damaging"; Align-GVGD: "Class C0"). In summary, the available evidence is currently insufficient to determine the role of this variant in disease. Therefore, it has been classified as a Variant of Uncertain Significance.